The following is an entry in ClinVar:

ClinVar aggregate classification (germline): Uncertain significance (1 of 4 stars; one submission).

Submission:

Labcorp Genetics (formerly Invitae), Labcorp
Classification: Uncertain significance. Last evaluated: 2022-03-09. Review status: criteria provided, single submitter. Criteria: Invitae Variant Classification Sherloc (09022015). Collection method: clinical testing. Allele origin: germline.
Comment: This sequence change replaces serine, which is neutral and polar, with threonine, which is neutral and polar, at codon 161 of the TUB protein (p.Ser161Thr). This variant is not present in population databases (gnomAD no frequency). This variant has not been reported in the literature in individuals affected with TUB-related conditions. ClinVar contains an entry for this variant (Variation ID: 1017840). Algorithms developed to predict the effect of missense changes on protein structure and function (SIFT, PolyPhen-2, Align-GVGD) all suggest that this variant is likely to be tolerated. In summary, the available evidence is currently insufficient to determine the role of this variant in disease. Therefore, it has been classified as a Variant of Uncertain Significance.

NM_177972.3(TUB):c.316T>A (p.Ser106Thr)

Genes: RIC3 (RIC3 acetylcholine receptor chaperone; minus strand), TUB (TUB bipartite transcription factor; plus strand). Cytogenetic location: 11p15.4.
Variant type: single nucleotide variant.
Coding change: c.316T>A on transcript NM_177972.3 (MANE Select); coding-DNA position 316, T replaced by A.
Protein change: p.Ser106Thr; replaces serine 106 with threonine.
Molecular consequence: missense variant. On other transcripts: non-coding transcript variant (1).
Genome position (GRCh38, 1-based): chr11:8,094,108, T>A. VCF-style: chr11-8094108-T-A. GRCh37 (hg19) VCF-style: chr11-8115655-T-A.
Other names: c.481T>A, p.Ser161Thr (NM_003320.5); short protein forms S106T, S161T.
Identifiers: ClinVar variation 1017840 (VCV001017840.8), dbSNP rs1943878785, ClinGen allele CA379564669.